The following is an entry in ClinVar:

ClinVar aggregate classification (germline): Uncertain significance (1 of 4 stars; one submission).

Conditions:
Dyskeratosis congenita, autosomal recessive 5 (DKCB5). Identifiers: MedGen C3554656, MONDO:0014076, OMIM 615190.
Pulmonary fibrosis and/or bone marrow failure, Telomere-related, 3. Also called: PULMONARY FIBROSIS AND/OR BONE MARROW FAILURE SYNDROME, TELOMERE-RELATED, 3. Identifiers: Orphanet 2032, MedGen C4225346, MONDO:0014613, OMIM 616373.

Submission:

Labcorp Genetics (formerly Invitae), Labcorp
Classification: Uncertain significance for Dyskeratosis congenita, autosomal recessive 5; Pulmonary fibrosis and/or bone marrow failure, Telomere-related, 3. Last evaluated: 2025-12-08. Review status: criteria provided, single submitter. Criteria: Invitae Variant Classification Sherloc (09022015). Collection method: clinical testing. Allele origin: germline.
Comment: This sequence change replaces arginine, which is basic and polar, with tryptophan, which is neutral and slightly polar, at codon 141 of the RTEL1 protein (p.Arg141Trp). This variant is present in population databases (rs746931551, gnomAD 0.003%). This variant has not been reported in the literature in individuals affected with RTEL1-related conditions. An algorithm developed to predict the effect of missense changes on protein structure and function (PolyPhen-2) suggests that this variant is likely to be disruptive. In summary, the available evidence is currently insufficient to determine the role of this variant in disease. Therefore, it has been classified as a Variant of Uncertain Significance.

NM_001283009.2(RTEL1):c.421C>T (p.Arg141Trp)

Genes: RTEL1 (regulator of telomere elongation helicase 1; plus strand), RTEL1-TNFRSF6B (RTEL1-TNFRSF6B readthrough (NMD candidate); plus strand). Cytogenetic location: 20q13.33.
Variant type: single nucleotide variant.
Coding change: c.421C>T on transcript NM_001283009.2 (MANE Select); coding-DNA position 421, C replaced by T.
Protein change: p.Arg141Trp; replaces arginine 141 with tryptophan.
Molecular consequence: missense variant. On other transcripts: non-coding transcript variant (1), 5 prime UTR variant (1).
Genome position (GRCh38, 1-based): chr20:63,662,571, C>T. VCF-style: chr20-63662571-C-T. GRCh37 (hg19) VCF-style: chr20-62293924-C-T.
Other names: c.-249C>T (NM_001283010.1); c.421C>T, p.Arg141Trp (NM_016434.4); c.493C>T, p.Arg165Trp (NM_032957.5); short protein forms R141W, R165W.
Identifiers: ClinVar variation 4788691 (VCV004788691.1).
Genomic context (GRCh38, chr20:63,662,571, plus strand): 5'-GCTCCTCCTCGACCCACGGTGCTCTCTCCCACCAGGCCTAAGGTGTGTGTGCTGGGCTCC[C>T]GGGAGCAGCTGTGCATCCATCCTGAGGTGAAGAAACAAGAGAGTAACCATCTACAGGTAG-3'
Protein context (NP_001269938.1, residues 131-151): YRPKVCVLGS[Arg141Trp]EQLCIHPEVK